The following is an entry in ClinVar:

NM_020975.6(RET):c.2063C>G (p.Ser688Cys)

Gene: RET (ret proto-oncogene; plus strand). Cytogenetic location: 10q11.21.
Variant type: single nucleotide variant.
Coding change: c.2063C>G on transcript NM_020975.6 (MANE Select); coding-DNA position 2063, C replaced by G.
Protein change: p.Ser688Cys; replaces serine 688 with cysteine.
Molecular consequence: missense variant.
Genome position (GRCh38, 1-based): chr10:43,114,663, C>G. VCF-style: chr10-43114663-C-G. GRCh37 (hg19) VCF-style: chr10-43610111-C-G.
Other names: c.1046C>G, p.Ser349Cys (NM_001406785.1); c.1037C>G, p.Ser346Cys (NM_001406786.1, NM_001406783.1); c.1031C>G, p.Ser344Cys (NM_001406787.1); c.878C>G, p.Ser293Cys (NM_001406788.1, NM_001406789.1, NM_001406790.1); c.758C>G, p.Ser253Cys (NM_001406791.1); c.614C>G, p.Ser205Cys (NM_001406792.1, NM_001406793.1, NM_001406794.1); c.1775C>G, p.Ser592Cys (NM_001406766.1, NM_001406767.1, NM_001406770.1); c.1799C>G, p.Ser600Cys (NM_001406768.1); and 10 more; short protein forms S389C, S434C, S542C, S205C, S344C, S349C, S513C, S600C.
Identifiers: ClinVar variation 3313691 (VCV003313691.1).

ClinVar aggregate classification (germline): Uncertain significance (1 of 4 stars; one submission).

Conditions:
Hereditary cancer-predisposing syndrome. Also called: Neoplastic Syndromes, Hereditary; Tumor predisposition; Hereditary neoplastic syndrome; Hereditary Cancer Syndrome. Identifiers: Orphanet 140162, MedGen C0027672, MeSH D009386, MONDO:0015356.

Submission:

Ambry Genetics
Classification: Uncertain significance for Hereditary cancer-predisposing syndrome. Last evaluated: 2024-05-24. Review status: criteria provided, single submitter. Criteria: Ambry Variant Classification Scheme 2023. Collection method: clinical testing. Allele origin: germline.
Comment: The p.S688C variant (also known as c.2063C>G), located in coding exon 11 of the RET gene, results from a C to G substitution at nucleotide position 2063. The serine at codon 688 is replaced by cysteine, an amino acid with dissimilar properties. This amino acid position is conserved. In addition, the in silico prediction for this alteration is inconclusive. Based on the available evidence, the clinical significance of this variant remains unclear.